The following is an entry in ClinVar:

ClinVar aggregate classification (germline): Uncertain significance (1 of 4 stars; one submission).

Conditions:
Inborn genetic diseases. Identifiers: MedGen C0950123, MeSH D030342.

Submission:

Ambry Genetics
Classification: Uncertain significance for Inborn genetic diseases. Last evaluated: 2021-12-11. Review status: criteria provided, single submitter. Criteria: Ambry Variant Classification Scheme 2023. Collection method: clinical testing. Allele origin: germline.
Comment: The p.P147T variant (also known as c.439C>A), located in coding exon 5 of the RAD51 gene, results from a C to A substitution at nucleotide position 439. The proline at codon 147 is replaced by threonine, an amino acid with highly similar properties. This amino acid position is conserved. In addition, this alteration is predicted to be deleterious by in silico analysis. Since supporting evidence is limited at this time, the clinical significance of this alteration remains unclear.

NM_002875.5(RAD51):c.439C>A (p.Pro147Thr)

Gene: RAD51 (RAD51 recombinase; plus strand). Cytogenetic location: 15q15.1.
Variant type: single nucleotide variant.
Coding change: c.439C>A on transcript NM_002875.5 (MANE Select); coding-DNA position 439, C replaced by A.
Protein change: p.Pro147Thr; replaces proline 147 with threonine.
Molecular consequence: missense variant.
Genome position (GRCh38, 1-based): chr15:40,718,808, C>A. VCF-style: chr15-40718808-C-A. GRCh37 (hg19) VCF-style: chr15-41011006-C-A.
Other names: c.442C>A, p.Pro148Thr (NM_001164269.2, NM_133487.4); c.439C>A, p.Pro147Thr (NM_001164270.2); short protein forms P148T, P147T.
Identifiers: ClinVar variation 1740273 (VCV001740273.2), dbSNP rs2504485646, ClinGen allele CA391753230.